The following is an entry in ClinVar:

ClinVar aggregate classification (germline): Pathogenic/Likely pathogenic. Review status: criteria provided, multiple submitters, no conflicts (2 of 4 stars). 5 submissions from 4 submitters: Pathogenic (2); Likely pathogenic (2). 1 of the submissions does not count toward it. Last evaluated 2025-08-05.

Conditions:
Nicolaides-Baraitser syndrome (NCBRS). Also called: SMARCA2-Related Nicolaides-Baraitser Syndrome; Intellectual disability-sparse hair-brachydactyly syndrome. Identifiers: Orphanet 3051, MedGen C1303073, MONDO:0011053, OMIM 601358.
SMARCA2-related BAFopathy.
SMARCA2-related disorder. Also called: SMARCA2-related condition.

Submissions (5):

PreventionGenetics, part of Exact Sciences
Classification: Likely pathogenic for SMARCA2-related condition. Last evaluated: 2025-08-05. Review status: criteria provided, single submitter. Criteria: ACMG Guidelines, 2015. Collection method: clinical testing. Allele origin: germline.
Comment: The SMARCA2 c.2348C>T variant is predicted to result in the amino acid substitution p.Ser783Leu. This variant has been reported as a de novo finding in individuals with SMARCA2-related developmental disorders (Table S2, Turner et al. 2019. PubMed ID: 31785789; Table S4, Chen et al. 2021. PubMed ID: 34906496; Zhou et al. 2022. PubMed ID: 35982159; Valencia et al. 2023. PubMed ID: 37500730). An alternate missense variation at the same amino acid position has also been reported as a de novo finding in affected individuals (p.Ser783Trp; Sousa et al. 2014. PubMed ID: 25169058; Chater-Diehl et al. 2019. PubMed ID: 31288860). This variant has not been reported in a large population database (gnomAD), indicating this variant is rare. This variant is interpreted as likely pathogenic.

Baylor Genetics
Classification: Likely pathogenic for SMARCA2-related BAFopathy. Last evaluated: 2021-06-10. Review status: criteria provided, single submitter. Criteria: ACMG Guidelines, 2015. Collection method: clinical testing. Allele origin: de novo. Affected: yes.

GeneDx
Classification: Pathogenic. Last evaluated: 2020-09-03. Review status: criteria provided, single submitter. Criteria: GeneDx Variant Classification Process June 2021. Collection method: clinical testing. Allele origin: germline. Affected: yes.
Comment: Not observed in large population cohorts (Lek et al., 2016); In silico analysis supports that this missense variant has a deleterious effect on protein structure/function; Has not been previously published as pathogenic or benign to our knowledge; This variant is associated with the following publications: (PMID: 25326635)

Population and Medical Genomics Lab, Sidra Medicine
Classification: Pathogenic for Nicolaides-Baraitser syndrome. Review status: criteria provided, single submitter. Criteria: ACMG Guidelines, 2015. Collection method: research. Allele origin: de novo. Inheritance: Autosomal dominant inheritance. Affected: yes. Observed: 1 heterozygote.
Comment: The Ser783Leu variant is absent from population databases (PM2), computational tools suggest deleterious effect (PP3). This variant falls within a mutational hotspot (PM1), and has been reported in cases with developmental disorders and Nicolaides–Baraitser syndrome (PMID: 31785789). In addition, a different pathogenic missense change (Ser783Trp) has been reported in this position previously (PMID: 25169058) (PM5). In summary, the Ser783Leu meets our criteria to be classified as pathogenic using the ACMG guidelines.

Baylor Genetics
Classification: Uncertain significance for Nicolaides-Baraitser syndrome. Last evaluated: 2017-09-01. Review status: flagged submission. Criteria: ACMG Guidelines, 2015. Collection method: clinical testing. Allele origin: de novo. Inheritance: Autosomal dominant inheritance. Affected: yes. Not counted in ClinVar's aggregate classification.
ClinVar note: Notes: They say "likely pathogenicity" in the evidence summary but submitted an interpretation of uncertain significance.
ClinVar note: Reason: Other submission error

Literature cited by the submitters: PubMed 31785789 (cited by Population and Medical Genomics Lab, Sidra Medicine); PubMed 25169058 (cited by Population and Medical Genomics Lab, Sidra Medicine); PubMed 25326635 (cited by Baylor Genetics).

NM_003070.5(SMARCA2):c.2348C>T (p.Ser783Leu)

Gene: SMARCA2 (SWI/SNF related BAF chromatin remodeling complex subunit ATPase 2; plus strand). Cytogenetic location: 9p24.3.
Variant type: single nucleotide variant.
Coding change: c.2348C>T on transcript NM_003070.5 (MANE Select); coding-DNA position 2348, C replaced by T.
Protein change: p.Ser783Leu; replaces serine 783 with leucine.
Molecular consequence: missense variant.
Genome position (GRCh38, 1-based): chr9:2,081,995, C>T. VCF-style: chr9-2081995-C-T. GRCh37 (hg19) VCF-style: chr9-2081995-C-T.
Other names: c.2348C>T, p.Ser783Leu (NM_001289396.2, NM_001289397.2, NM_139045.4); short protein forms S783L.
Identifiers: ClinVar variation 561113 (VCV000561113.7), dbSNP rs1554623112, ClinGen allele CA372784349.